The following is an entry in ClinVar:

NM_000384.3(APOB):c.11215G>T (p.Asp3739Tyr)

Gene: APOB (apolipoprotein B; minus strand). Cytogenetic location: 2p24.1.
Variant type: single nucleotide variant.
Coding change: c.11215G>T on transcript NM_000384.3 (MANE Select); coding-DNA position 11215, G replaced by T.
Protein change: p.Asp3739Tyr; replaces aspartic acid 3739 with tyrosine.
Molecular consequence: missense variant.
Genome position (GRCh38, 1-based): chr2:21,005,653, C>A on the plus strand (G>T on the coding strand, the complement: APOB is on the minus strand). VCF-style: chr2-21005653-C-A. GRCh37 (hg19) VCF-style: chr2-21228525-C-A.
Other names: short protein forms D3739Y.
Identifiers: ClinVar variation 2586177 (VCV002586177.7), dbSNP rs1281277166, ClinGen allele CA345980510.
Genomic context (GRCh38, chr2:21,005,653, plus strand): 5'-GAACCTGAAGATCTGTAAATGGGACATGGAACGTAGGCATGACAAGAACTGAATTTAGAT[C>A]ATTTAGTTTCAGCCCAGGAATAATGAATTTATCAGCCAAAACTTTTACAGGGATGGAGAA-3'
Protein context (NP_000375.3, residues 3729-3749): KFIIPGLKLN[Asp3739Tyr]LNSVLVMPTF

ClinVar aggregate classification (germline): Conflicting classifications of pathogenicity. Review status: criteria provided, conflicting classifications (1 of 4 stars). 3 submissions from 3 submitters: Uncertain significance (2); Likely benign (1). Last evaluated 2025-10-27.

Conditions:
Familial hypobetalipoproteinemia 1. Also called: APOB-Related Familial Hypobetalipoproteinemia; Hypobetalipoproteinemia, normotriglyceridemic; Acanthocytosis with hypobetalipoproteinemia. Identifiers: MedGen C4551990, MONDO:0014252, OMIM 615558.
Hypercholesterolemia, autosomal dominant, type B (FHCL2). Also called: APOLIPOPROTEIN B-100, FAMILIAL DEFECTIVE; APOLIPOPROTEIN B-100, FAMILIAL LIGAND-DEFECTIVE; HYPERCHOLESTEROLEMIA, FAMILIAL, DUE TO LIGAND-DEFECTIVE APOLIPOPROTEIN B; Familial Hypercholesterolemia Type B; Familial hypercholesterolemia 2; APOB-Related Familial Hypercholesterolemia, Autosomal Dominant. Identifiers: MedGen C1704417, MONDO:0007751, OMIM 144010.
Cardiovascular phenotype. Identifiers: MedGen CN230736.

Submissions (3):

Ambry Genetics
Classification: Uncertain significance for Cardiovascular phenotype. Last evaluated: 2025-10-27. Review status: criteria provided, single submitter. Criteria: Ambry Variant Classification Scheme 2023. Collection method: clinical testing. Allele origin: germline.
Comment: The p.D3739Y variant (also known as c.11215G>T), located in coding exon 26 of the APOB gene, results from a G to T substitution at nucleotide position 11215. The aspartic acid at codon 3739 is replaced by tyrosine, an amino acid with highly dissimilar properties. This amino acid position is conserved. In addition, this alteration is predicted to be tolerated by in silico analysis. Since supporting evidence is limited at this time, the clinical significance of this alteration remains unclear.

GeneDx
Classification: Uncertain significance. Last evaluated: 2025-08-04. Review status: criteria provided, single submitter. Criteria: GeneDx Variant Classification Process June 2021. Collection method: clinical testing. Allele origin: germline. Affected: yes.
Comment: Not observed at significant frequency in large population cohorts (gnomAD); In silico analysis supports that this missense variant has a deleterious effect on protein structure/function; Has not been previously published as pathogenic or benign to our knowledge

Labcorp Genetics (formerly Invitae), Labcorp
Classification: Likely benign for Familial hypobetalipoproteinemia 1; Hypercholesterolemia, autosomal dominant, type B. Last evaluated: 2023-08-21. Review status: criteria provided, single submitter. Criteria: Invitae Variant Classification Sherloc (09022015). Collection method: clinical testing. Allele origin: germline.